The following is an entry in ClinVar:

ClinVar aggregate classification (germline): Uncertain significance (1 of 4 stars; one submission).

Conditions:
Hereditary cancer-predisposing syndrome. Also called: Neoplastic Syndromes, Hereditary; Tumor predisposition; Hereditary Cancer Syndrome; Hereditary neoplastic syndrome. Identifiers: Orphanet 140162, MedGen C0027672, MeSH D009386, MONDO:0015356.

Submission:

Ambry Genetics
Classification: Uncertain significance for Hereditary cancer-predisposing syndrome. Last evaluated: 2026-01-26. Review status: criteria provided, single submitter. Criteria: Ambry Variant Classification Scheme 2023. Collection method: clinical testing. Allele origin: germline.
Comment: The p.L9V variant (also known as c.25T>G), located in coding exon 1 of the HOXB13 gene, results from a T to G substitution at nucleotide position 25. The leucine at codon 9 is replaced by valine, an amino acid with highly similar properties. This amino acid position is conserved. In addition, the in silico prediction for this alteration is inconclusive. Based on the available evidence, the clinical significance of this variant remains unclear.

NM_006361.6(HOXB13):c.25T>G (p.Leu9Val)

Gene: HOXB13 (homeobox B13; minus strand). Cytogenetic location: 17q21.32.
Variant type: single nucleotide variant.
Coding change: c.25T>G on transcript NM_006361.6 (MANE Select); coding-DNA position 25, T replaced by G.
Protein change: p.Leu9Val; replaces leucine 9 with valine.
Molecular consequence: missense variant.
Genome position (GRCh38, 1-based): chr17:48,728,569, A>C on the plus strand (T>G on the coding strand, the complement: HOXB13 is on the minus strand). VCF-style: chr17-48728569-A-C. GRCh37 (hg19) VCF-style: chr17-46805931-A-C.
Other names: short protein forms L9V.
Identifiers: ClinVar variation 4844721 (VCV004844721.1).
Genomic context (GRCh38, chr17:48,728,569, plus strand): 5'-CGACCAGATTCCGCCCCCCTCCCGCTCCCAGCAAGCCTTCGATATCCTTGGCTCCATCCA[A>C]GGTGGCATAATTGCCGGGCTCCATGGAGCCGAGGGTCGGCTCATGAGGTGCGGGGGCGGG-3'
Protein context (NP_006352.2, residues 1-19): MEPGNYAT[Leu9Val]DGAKDIEGLL